The following is an entry in ClinVar:

ClinVar aggregate classification (germline): Uncertain significance (1 of 4 stars; one submission).

Conditions:
Dilated Cardiomyopathy, Recessive.

gnomAD v4.1: 14 of 1,568,122 alleles (0.00089%); highest among the groups gnomAD compares: Non-Finnish European, 0.0012%; no homozygotes.

Submission:

Labcorp Genetics (formerly Invitae), Labcorp
Classification: Uncertain significance. Last evaluated: 2024-07-30. Review status: criteria provided, single submitter. Criteria: Invitae Variant Classification Sherloc (09022015). Collection method: clinical testing. Allele origin: germline.
Comment: This sequence change replaces valine, which is neutral and non-polar, with methionine, which is neutral and non-polar, at codon 86 of the PLEKHM2 protein (p.Val86Met). The frequency data for this variant in the population databases is considered unreliable, as metrics indicate poor data quality at this position in the gnomAD database. This variant has not been reported in the literature in individuals affected with PLEKHM2-related conditions. An algorithm developed to predict the effect of missense changes on protein structure and function (PolyPhen-2) suggests that this variant is likely to be disruptive. In summary, the available evidence is currently insufficient to determine the role of this variant in disease. Therefore, it has been classified as a Variant of Uncertain Significance.

NM_015164.4(PLEKHM2):c.256G>A (p.Val86Met)

Gene: PLEKHM2 (pleckstrin homology and RUN domain containing M2; plus strand). Cytogenetic location: 1p36.21.
Variant type: single nucleotide variant.
Coding change: c.256G>A on transcript NM_015164.4 (MANE Select); coding-DNA position 256, G replaced by A.
Protein change: p.Val86Met; replaces valine 86 with methionine.
Molecular consequence: missense variant.
Genome position (GRCh38, 1-based): chr1:15,716,795, G>A. VCF-style: chr1-15716795-G-A. GRCh37 (hg19) VCF-style: chr1-16043290-G-A.
Other names: c.256G>A, p.Val86Met (NM_001410755.1); short protein forms V86M.
Identifiers: ClinVar variation 3703323 (VCV003703323.1).